The following is an entry in ClinVar:

NM_000037.4(ANK1):c.1590C>T (p.Ala530=)

Gene: ANK1 (ankyrin 1; minus strand). Cytogenetic location: 8p11.21.
Variant type: single nucleotide variant.
Coding change: c.1590C>T on transcript NM_000037.4 (MANE Select); coding-DNA position 1590, C replaced by T.
Protein change: p.Ala530=; no amino-acid change (alanine 530 retained).
Molecular consequence: synonymous variant.
Genome position (GRCh38, 1-based): chr8:41,715,664, G>A on the plus strand (C>T on the coding strand, the complement: ANK1 is on the minus strand). VCF-style: chr8-41715664-G-A. GRCh37 (hg19) VCF-style: chr8-41573182-G-A.
Other names: p.Ala530=; c.1689C>T, p.Ala563= (NM_001142446.2); c.1590C>T, p.Ala530= (NM_020475.3, NM_020476.3, NM_020477.3).
Identifiers: ClinVar variation 261292 (VCV000261292.49), dbSNP rs61758865, ClinGen allele CA4728574.

ClinVar aggregate classification (germline): Conflicting classifications of pathogenicity. Review status: criteria provided, conflicting classifications (1 of 4 stars). 8 submissions from 7 submitters: Uncertain significance (1); Benign (6); Likely benign (1). Last evaluated 2026-01-28.

Conditions:
Hereditary spherocytosis type 1. Also called: Spherocytosis type 1; ANK1-Related Spherocytosis. Identifiers: Orphanet 822, MedGen C2674218, MONDO:0008447, OMIM 182900.
Spherocytosis. Identifiers: MedGen C0553720, HP:0004444.

Allele frequency attached by ClinVar (database versions not stated): 1000 Genomes Project 0.00240; 1000 Genomes Project 30x 0.00265; gnomAD exomes 0.00611 and 0.01129; ExAC 0.00627; gnomAD 0.00648 and 0.00673; TOPMed 0.00652; ESP Exome Variant Server 0.00730.
gnomAD v4.1: 17,239 of 1,613,460 alleles (1.1%); highest among the groups gnomAD compares: Non-Finnish European, 1.4%; 151 homozygotes.

Submissions (8):

Labcorp Genetics (formerly Invitae), Labcorp
Classification: Benign. Last evaluated: 2026-01-28. Review status: criteria provided, single submitter. Criteria: Invitae Variant Classification Sherloc (09022015). Collection method: clinical testing. Allele origin: germline.

CeGaT Center for Human Genetics Tuebingen
Classification: Benign. Last evaluated: 2026-01-01. Review status: criteria provided, single submitter. Criteria: CeGaT Center For Human Genetics Tuebingen Variant Classification Criteria Version 2. Collection method: clinical testing. Allele origin: germline. Affected: yes. Observed: 4 variant alleles.
Comment: ANK1: BP4, BP7, BS1, BS2

ARUP Laboratories, Molecular Genetics and Genomics, ARUP Laboratories
Classification: Benign for Hereditary spherocytosis type 1. Last evaluated: 2025-07-01. Review status: criteria provided, single submitter. Criteria: ARUP Molecular Germline Variant Investigation Process 2024. Collection method: clinical testing. Allele origin: germline.

Blueprint Genetics
Classification: Likely benign. Last evaluated: 2024-11-26. Review status: criteria provided, single submitter. Criteria: ACMG Guidelines, 2015. Collection method: clinical testing. Allele origin: germline.

Mayo Clinic Laboratories, Mayo Clinic
Classification: Benign. Last evaluated: 2024-02-28. Review status: criteria provided, single submitter. Criteria: ACMG Guidelines, 2015. Collection method: clinical testing. Allele origin: germline. Observed: 30 variant alleles.

Illumina Laboratory Services, Illumina
Classification: Benign for Hereditary spherocytosis type 1. Last evaluated: 2018-01-13. Review status: criteria provided, single submitter. Criteria: ICSL Variant Classification Criteria 13 December 2019. Collection method: clinical testing. Allele origin: germline.
Comment: This variant was observed in the ICSL laboratory as part of a predisposition screen in an ostensibly healthy population. It had not been previously curated by ICSL or reported in the Human Gene Mutation Database (HGMD: prior to June 1st, 2018), and was therefore a candidate for classification through an automated scoring system. Utilizing variant allele frequency, disease prevalence and penetrance estimates, and inheritance mode, an automated score was calculated to assess if this variant is too frequent to cause the disease. Based on the score and internal cut-off values, a variant classified as benign is not then subjected to further curation. The score for this variant resulted in a classification of benign for this disease.

Illumina Laboratory Services, Illumina
Classification: Uncertain significance for Spherocytosis. Last evaluated: 2018-01-13. Review status: criteria provided, single submitter. Criteria: ICSL Variant Classification Criteria 13 December 2019. Collection method: clinical testing. Allele origin: germline.

PreventionGenetics, part of Exact Sciences
Classification: Benign. Review status: criteria provided, single submitter. Criteria: ACMG Guidelines, 2015. Collection method: clinical testing. Allele origin: germline.